The following is an entry in ClinVar:

ClinVar aggregate classification (germline): Likely pathogenic (1 of 4 stars; one submission).

Submission:

Dasa
Classification: Likely pathogenic. Last evaluated: 2025-02-04. Review status: criteria provided, single submitter. Criteria: DASA Assertion Criteria. Collection method: clinical testing. Allele origin: germline.
Comment: NM_005654.6(NR2F1):c.882del (p.Phe295Serfs*62) is a frameshift variant in NR2F1 predicted to alter the reading frame and introduce a premature termination codon and is predicted to result in an absent or altered protein product. Loss of function is an established disease mechanism for NR2F1 (PMID: 32275123; PMID: 23300014; PMID: 32712214). Also, this variant is absent from population databases. Based on the currently available evidence, this variant is classified as likely pathogenic.

Literature cited by the submitters: PubMed 32275123; PubMed 23300014; PubMed 32712214.

NM_005654.6(NR2F1):c.882del (p.Phe295fs)

Gene: NR2F1 (nuclear receptor subfamily 2 group F member 1; plus strand). Cytogenetic location: 5q15.
Variant type: Deletion.
Coding change: c.882del on transcript NM_005654.6 (MANE Select); coding-DNA position 882, one base deleted (C; older notation c.882delC).
Protein change: p.Phe295fs; shifts the reading frame from phenylalanine 295.
Molecular consequence: frameshift variant.
Genome position (GRCh38, 1-based): chr5:93,588,335, C deleted; the last of 2 consecutive C bases (chr5:93,588,334-93,588,335); deleting either gives the same sequence. VCF-style (leftmost placement, unchanged base first): chr5-93588333-GC-G. GRCh37 (hg19) VCF-style: chr5-92924039-GC-G.
Other names: c.432del, p.Phe145fs (NM_001410754.1); short protein forms F145fs, F295fs.
Identifiers: ClinVar variation 4884250 (VCV004884250.2).